The following is an entry in ClinVar:

NM_000553.6(WRN):c.2711A>T (p.His904Leu)

Gene: WRN (WRN RecQ like helicase; plus strand). Cytogenetic location: 8p12.
Variant type: single nucleotide variant.
Coding change: c.2711A>T on transcript NM_000553.6 (MANE Select); coding-DNA position 2711, A replaced by T.
Protein change: p.His904Leu; replaces histidine 904 with leucine.
Molecular consequence: missense variant.
Genome position (GRCh38, 1-based): chr8:31,124,602, A>T. VCF-style: chr8-31124602-A-T. GRCh37 (hg19) VCF-style: chr8-30982118-A-T.
Other names: short protein forms H904L.
Identifiers: ClinVar variation 3729042 (VCV003729042.2).
Genomic context (GRCh38, chr8:31,124,602, plus strand): 5'-GTAATGAGAAGTTTCGATTATACAAATTAAAGATGATGGCAAAGATGGAAAAATATCTTC[A>T]TTCTAGCAGATGTAGGAGACAGTATGTATTATTTATTTTATGCCAATAGTATGGATTTAT-3'
Protein context (NP_000544.2, residues 894-914): KMMAKMEKYL[His904Leu]SSRCRRQIIL

ClinVar aggregate classification (germline): Uncertain significance (1 of 4 stars; one submission).

Conditions:
Werner syndrome (WRN). Identifiers: Orphanet 902, MedGen C0043119, MONDO:0010196, OMIM 277700.

Submission:

Labcorp Genetics (formerly Invitae), Labcorp
Classification: Uncertain significance for Werner syndrome. Last evaluated: 2025-01-20. Review status: criteria provided, single submitter. Criteria: Invitae Variant Classification Sherloc (09022015). Collection method: clinical testing. Allele origin: germline.
Comment: This sequence change replaces histidine, which is basic and polar, with leucine, which is neutral and non-polar, at codon 904 of the WRN protein (p.His904Leu). This variant is not present in population databases (gnomAD no frequency). This variant has not been reported in the literature in individuals affected with WRN-related conditions. An algorithm developed to predict the effect of missense changes on protein structure and function (PolyPhen-2) suggests that this variant is likely to be tolerated. In summary, the available evidence is currently insufficient to determine the role of this variant in disease. Therefore, it has been classified as a Variant of Uncertain Significance.